The following is an entry in ClinVar:

NM_004336.5(BUB1):c.333C>T (p.Ala111=)

Gene: BUB1 (BUB1 mitotic checkpoint serine/threonine kinase; minus strand). Cytogenetic location: 2q13.
Variant type: single nucleotide variant.
Coding change: c.333C>T on transcript NM_004336.5 (MANE Select); coding-DNA position 333, C replaced by T.
Protein change: p.Ala111=; no amino-acid change (alanine 111 retained).
Molecular consequence: synonymous variant.
Genome position (GRCh38, 1-based): chr2:110,672,750, G>A on the plus strand (C>T on the coding strand, the complement: BUB1 is on the minus strand). VCF-style: chr2-110672750-G-A. GRCh37 (hg19) VCF-style: chr2-111430327-G-A.
Other names: c.273C>T, p.Ala91= (NM_001278616.2); c.333C>T, p.Ala111= (NM_001278617.2).
Identifiers: ClinVar variation 1730392 (VCV001730392.21), dbSNP rs1346202647, ClinGen allele CA427944348.

ClinVar aggregate classification (germline): Likely benign. Review status: criteria provided, multiple submitters, no conflicts (2 of 4 stars). 2 submissions from 2 submitters: Likely benign (2). Last evaluated 2024-05-01.

Allele frequency attached by ClinVar (database versions not stated): TOPMed below 0.00001; gnomAD 0.00001.
gnomAD v4.1: 13 of 1,614,024 alleles (0.00081%); highest among the groups gnomAD compares: South Asian, 0.0011%; no homozygotes.

Submissions (2):

CeGaT Center for Human Genetics Tuebingen
Classification: Likely benign. Last evaluated: 2024-05-01. Review status: criteria provided, single submitter. Criteria: CeGaT Center For Human Genetics Tuebingen Variant Classification Criteria Version 2. Collection method: clinical testing. Allele origin: germline. Affected: yes. Observed: 1 variant allele.
Comment: BUB1: BP4, BP7

Ambry Genetics
Classification: Likely benign. Last evaluated: 2022-03-18. Review status: criteria provided, single submitter. Criteria: Ambry Variant Classification Scheme 2023. Collection method: clinical testing. Allele origin: germline.